The following is an entry in ClinVar:

ClinVar aggregate classification (germline): Benign. Review status: criteria provided, single submitter (1 of 4 stars). 2 submissions from 2 submitters: Benign (1). 1 of the submissions does not count toward it. Last evaluated 2022-06-14.

Conditions:
ATP6V1A-related disorder. Also called: ATP6V1A-related condition.

Submissions (2):

Labcorp Genetics (formerly Invitae), Labcorp
Classification: Benign. Last evaluated: 2022-06-14. Review status: criteria provided, single submitter. Criteria: Invitae Variant Classification Sherloc (09022015). Collection method: clinical testing. Allele origin: germline.

PreventionGenetics, part of Exact Sciences
Classification: Likely benign for ATP6V1A-related condition. Last evaluated: 2019-06-06. Review status: no assertion criteria provided. Collection method: clinical testing. Allele origin: germline. Not counted in ClinVar's aggregate classification.
Comment: This variant is classified as likely benign based on ACMG/AMP sequence variant interpretation guidelines (Richards et al. 2015 PMID: 25741868, with internal and published modifications).

NM_001690.4(ATP6V1A):c.1227-9del

Gene: ATP6V1A (ATPase H+ transporting V1 subunit A; plus strand). Cytogenetic location: 3q13.31.
Variant type: Deletion.
Coding change: c.1227-9del on transcript NM_001690.4 (MANE Select); 9 bases into the intron before coding-DNA position 1227, one base deleted (T; older notation c.1227-9delT).
Molecular consequence: intron variant.
Genome position (GRCh38, 1-based): chr3:113,795,867, T deleted; the last of 8 consecutive T bases (chr3:113,795,860-113,795,867); deleting any one gives the same sequence. VCF-style (leftmost placement, unchanged base first): chr3-113795859-AT-A. GRCh37 (hg19) VCF-style: chr3-113514706-AT-A.
Other names: c.1227-9delT (NM_001690.3).
Identifiers: ClinVar variation 1928844 (VCV001928844.7), dbSNP rs768613444, ClinGen allele CA81628873.